The following is an entry in ClinVar:

ClinVar aggregate classification (germline): Uncertain significance (1 of 4 stars; one submission).

Conditions:
Hereditary cancer-predisposing syndrome. Also called: Tumor predisposition; Hereditary Cancer Syndrome; Hereditary neoplastic syndrome; Neoplastic Syndromes, Hereditary. Identifiers: Orphanet 140162, MedGen C0027672, MeSH D009386, MONDO:0015356.

Submission:

Ambry Genetics
Classification: Uncertain significance for Hereditary cancer-predisposing syndrome. Last evaluated: 2024-04-18. Review status: criteria provided, single submitter. Criteria: Ambry Variant Classification Scheme 2023. Collection method: clinical testing. Allele origin: germline.
Comment: The p.A33P variant (also known as c.97G>C), located in coding exon 1 of the ALK gene, results from a G to C substitution at nucleotide position 97. The alanine at codon 33 is replaced by proline, an amino acid with highly similar properties. This amino acid position is conserved. In addition, this alteration is predicted to be tolerated by in silico analysis. Based on the available evidence, the clinical significance of this variant remains unclear.

NM_004304.5(ALK):c.97G>C (p.Ala33Pro)

Gene: ALK (ALK receptor tyrosine kinase; minus strand). Cytogenetic location: 2p23.1.
Variant type: single nucleotide variant.
Coding change: c.97G>C on transcript NM_004304.5 (MANE Select); coding-DNA position 97, G replaced by C.
Protein change: p.Ala33Pro; replaces alanine 33 with proline.
Molecular consequence: missense variant.
Genome position (GRCh38, 1-based): chr2:29,920,563, C>G on the plus strand (G>C on the coding strand, the complement: ALK is on the minus strand). VCF-style: chr2-29920563-C-G. GRCh37 (hg19) VCF-style: chr2-30143429-C-G.
Other names: short protein forms A33P.
Identifiers: ClinVar variation 3285944 (VCV003285944.1).